The following is an entry in ClinVar:

NM_001005339.2(RGS10):c.50-83C>T

Gene: RGS10 (regulator of G protein signaling 10; minus strand). Cytogenetic location: 10q26.11.
Variant type: single nucleotide variant.
Coding change: c.50-83C>T on transcript NM_001005339.2 (MANE Select); 83 bases into the intron before coding-DNA position 50, C replaced by T.
Molecular consequence: intron variant.
Genome position (GRCh38, 1-based): chr10:119,527,507, G>A on the plus strand (C>T on the coding strand, the complement: RGS10 is on the minus strand). VCF-style: chr10-119527507-G-A. GRCh37 (hg19) VCF-style: chr10-121287019-G-A.
Other names: c.8-83C>T (NM_002925.4).
Identifiers: ClinVar variation 2688104 (VCV002688104.2), dbSNP rs3009921, ClinGen allele CA214195490.

ClinVar aggregate classification (germline): Benign (1 of 4 stars; one submission).

Allele frequency attached by ClinVar (database versions not stated): 1000 Genomes Project 30x 0.99016; TOPMed 0.99125; 1000 Genomes Project 0.99161; gnomAD 0.99247; gnomAD exomes 0.99920.
gnomAD v4.1: 998,254 of 1,000,102 alleles (100%); highest among the groups gnomAD compares: East Asian, 100%; 498,223 homozygotes.

Submission:

Unidad de Genómica Garrahan, Hospital de Pediatría Garrahan
Classification: Benign. Last evaluated: 2024-01-24. Review status: criteria provided, single submitter. Criteria: ACMG Guidelines, 2015. Collection method: clinical testing. Allele origin: germline. Affected: no. Observed: 94 variant alleles.
Comment: This variant is classified as Benign based on local population frequency. This variant was detected in 99% of patients studied by a panel of primary immunodeficiencies. Number of patients: 94. Only high quality variants are reported.